The following is an entry in ClinVar:

ClinVar aggregate classification (germline): Uncertain significance (1 of 4 stars; one submission).

Conditions:
Inborn genetic diseases. Identifiers: MedGen C0950123, MeSH D030342.

Submission:

Ambry Genetics
Classification: Uncertain significance for Inborn genetic diseases. Last evaluated: 2024-12-20. Review status: criteria provided, single submitter. Criteria: Ambry Variant Classification Scheme 2023. Collection method: clinical testing. Allele origin: germline.
Comment: The p.L1688I variant (also known as c.5062C>A), located in coding exon 34 of the ANKRD26 gene, results from a C to A substitution at nucleotide position 5062. The leucine at codon 1688 is replaced by isoleucine, an amino acid with highly similar properties. This amino acid position is conserved. In addition, this alteration is predicted to be tolerated by in silico analysis. Based on the available evidence, the clinical significance of this variant remains unclear.

NM_014915.3(ANKRD26):c.5062C>A (p.Leu1688Ile)

Gene: ANKRD26 (ankyrin repeat domain containing 26; minus strand). Cytogenetic location: 10p12.1.
Variant type: single nucleotide variant.
Coding change: c.5062C>A on transcript NM_014915.3 (MANE Select); coding-DNA position 5062, C replaced by A.
Protein change: p.Leu1688Ile; replaces leucine 1688 with isoleucine.
Molecular consequence: missense variant.
Genome position (GRCh38, 1-based): chr10:27,005,661, G>T on the plus strand (C>A on the coding strand, the complement: ANKRD26 is on the minus strand). VCF-style: chr10-27005661-G-T. GRCh37 (hg19) VCF-style: chr10-27294590-G-T.
Other names: c.5059C>A, p.Leu1687Ile (NM_001256053.2); short protein forms L1687I, L1688I.
Identifiers: ClinVar variation 3869042 (VCV003869042.1).